The following is an entry in ClinVar:

ClinVar aggregate classification (germline): Benign/Likely benign. Review status: criteria provided, multiple submitters, no conflicts (2 of 4 stars). 2 submissions from 2 submitters: Benign (1); Likely benign (1). Last evaluated 2024-12-01.

Allele frequency attached by ClinVar (database versions not stated): ESP Exome Variant Server 0.00015; gnomAD exomes 0.00033 and 0.00070; gnomAD 0.00042 and 0.00044; TOPMed 0.00042; ExAC 0.00053.
gnomAD v4.1: 578 of 1,613,992 alleles (0.036%); highest among the groups gnomAD compares: Middle Eastern, 0.016%; 3 homozygotes.

Submissions (2):

CeGaT Center for Human Genetics Tuebingen
Classification: Likely benign. Last evaluated: 2024-12-01. Review status: criteria provided, single submitter. Criteria: CeGaT Center For Human Genetics Tuebingen Variant Classification Criteria Version 2. Collection method: clinical testing. Allele origin: germline. Affected: yes. Observed: 1 variant allele.
Comment: KDM3B: BP4, BP7

Labcorp Genetics (formerly Invitae), Labcorp
Classification: Benign. Last evaluated: 2018-07-02. Review status: criteria provided, single submitter. Criteria: Invitae Variant Classification Sherloc (09022015). Collection method: clinical testing. Allele origin: germline.

NM_016604.4(KDM3B):c.4449C>G (p.Leu1483=)

Gene: KDM3B (lysine demethylase 3B; plus strand). Cytogenetic location: 5q31.2.
Variant type: single nucleotide variant.
Coding change: c.4449C>G on transcript NM_016604.4 (MANE Select); coding-DNA position 4449, C replaced by G.
Protein change: p.Leu1483=; no amino-acid change (leucine 1483 retained).
Molecular consequence: synonymous variant.
Genome position (GRCh38, 1-based): chr5:138,427,012, C>G. VCF-style: chr5-138427012-C-G. GRCh37 (hg19) VCF-style: chr5-137762701-C-G.
Identifiers: ClinVar variation 727111 (VCV000727111.16), dbSNP rs201776470, ClinGen allele CA3429460.